The following is an entry in ClinVar:

ClinVar aggregate classification (germline): Uncertain significance. Review status: criteria provided, multiple submitters, no conflicts (2 of 4 stars). 2 submissions from 2 submitters: Uncertain significance (2). Last evaluated 2025-06-04.

Conditions:
Axenfeld-Rieger syndrome type 3 (RIEG3). Also called: AXENFELD-RIEGER ANOMALY WITH CARDIAC DEFECTS AND/OR SENSORINEURAL HEARING LOSS. Identifiers: Orphanet 782, MedGen C2678503, MONDO:0011233, OMIM 602482.
Anterior segment dysgenesis 3 (ASGD3). Also called: Glaucoma iridogoniodysplasia, familial; IRIDOGONIODYSGENESIS ANOMALY, AUTOSOMAL DOMINANT. Identifiers: Orphanet 91483, MedGen C5975707, MONDO:0024456, OMIM 601631.
FOXC1-related disorder. Also called: FOXC1-related condition.

gnomAD v4.1: 8 of 1,441,708 alleles (0.00055%); highest among the groups gnomAD compares: African/African-American, 0.0074%; no homozygotes.

Submissions (2):

PreventionGenetics, part of Exact Sciences
Classification: Uncertain significance for FOXC1-related condition. Last evaluated: 2025-06-04. Review status: criteria provided, single submitter. Criteria: ACMG Guidelines, 2015. Collection method: clinical testing. Allele origin: germline.
Comment: The FOXC1 c.919G>A variant is predicted to result in the amino acid substitution p.Gly307Ser. To our knowledge, this variant has not been reported in the literature. This variant is reported in 0.030% of alleles in individuals of African descent in gnomAD, which may be too common to be an unreported cause of disease. Although we suspect that this variant may be benign, at this time, the clinical significance of this variant is uncertain due to the absence of conclusive functional and genetic evidence.

Fulgent Genetics
Classification: Uncertain significance for Anterior segment dysgenesis 3; Axenfeld-Rieger syndrome type 3. Last evaluated: 2024-03-27. Review status: criteria provided, single submitter. Criteria: ACMG Guidelines, 2015. Collection method: clinical testing. Allele origin: germline.

NM_001453.3(FOXC1):c.919G>A (p.Gly307Ser)

Gene: FOXC1 (forkhead box C1; plus strand). Cytogenetic location: 6p25.3.
Variant type: single nucleotide variant.
Coding change: c.919G>A on transcript NM_001453.3 (MANE Select); coding-DNA position 919, G replaced by A.
Protein change: p.Gly307Ser; replaces glycine 307 with serine.
Molecular consequence: missense variant.
Genome position (GRCh38, 1-based): chr6:1,611,364, G>A. VCF-style: chr6-1611364-G-A. GRCh37 (hg19) VCF-style: chr6-1611599-G-A.
Other names: c.919G>A (NM_001453.2); short protein forms G307S.
Identifiers: ClinVar variation 3593347 (VCV003593347.2).
Genomic context (GRCh38, chr6:1,611,364, plus strand): 5'-GGTGCGGATTCCGCGCCGCCGCCGCCCGCGCCCTCCGCCCCGCCGCCGCACCATAGCCAG[G>A]GCTTCAGCGTGGACAACATCATGACGTCGCTGCGGGGGTCGCCGCAGAGCGCGGCCGCGG-3'
Protein context (NP_001444.2, residues 297-317): PSAPPPHHSQ[Gly307Ser]FSVDNIMTSL